The following is an entry in ClinVar:

NM_007055.4(POLR3A):c.452G>A (p.Arg151Gln)

Genes: POLR3A (RNA polymerase III subunit A; minus strand), LOC126860971 (CDK7 strongly-dependent group 2 enhancer GRCh37_chr10:79784551-79785750; plus strand). Cytogenetic location: 10q22.3.
Variant type: single nucleotide variant.
Coding change: c.452G>A on transcript NM_007055.4 (MANE Select); coding-DNA position 452, G replaced by A.
Protein change: p.Arg151Gln; replaces arginine 151 with glutamine.
Molecular consequence: missense variant.
Genome position (GRCh38, 1-based): chr10:78,025,009, C>T on the plus strand (G>A on the coding strand, the complement: POLR3A is on the minus strand). VCF-style: chr10-78025009-C-T. GRCh37 (hg19) VCF-style: chr10-79784767-C-T.
Other names: c.452G>A (NM_007055.3); short protein forms R151Q.
Identifiers: ClinVar variation 1437386 (VCV001437386.9), dbSNP rs761059260, ClinGen allele CA5571701.
Genomic context (GRCh38, chr10:78,025,009, plus strand): 5'-GCCTTCTGTGCATTCCACTCACCATTAAAAGCGCCACAGTGATGGCAGATGTTTTTCTTC[C>T]GGCACTTGTCAGAGATTTTCTTTTTCAGTCCTCGCTTCTGAAGGTAGGTCAGGCCGGGCC-3'
Protein context (NP_008986.2, residues 141-161): GLKKKISDKC[Arg151Gln]KKNICHHCGA

ClinVar aggregate classification (germline): Uncertain significance. Review status: criteria provided, multiple submitters, no conflicts (2 of 4 stars). 3 submissions from 3 submitters: Uncertain significance (3). Last evaluated 2025-04-10.

Conditions:
Inborn genetic diseases. Identifiers: MedGen C0950123, MeSH D030342.

Allele frequency attached by ClinVar (database versions not stated): ExAC 0.00004; gnomAD 0.00004 and 0.00005; TOPMed 0.00004; gnomAD exomes 0.00006; 1000 Genomes Project 30x 0.00016.
gnomAD v4.1: 99 of 1,614,122 alleles (0.0061%); highest among the groups gnomAD compares: East Asian, 0.036%; no homozygotes.

Submissions (3):

Ambry Genetics
Classification: Uncertain significance for Inborn genetic diseases. Last evaluated: 2025-04-10. Review status: criteria provided, single submitter. Criteria: Ambry Variant Classification Scheme 2023. Collection method: clinical testing. Allele origin: germline.

Blueprint Genetics
Classification: Uncertain significance. Last evaluated: 2024-11-18. Review status: criteria provided, single submitter. Criteria: ACMG Guidelines, 2015. Collection method: clinical testing. Allele origin: germline.

Labcorp Genetics (formerly Invitae), Labcorp
Classification: Uncertain significance. Last evaluated: 2022-08-23. Review status: criteria provided, single submitter. Criteria: Invitae Variant Classification Sherloc (09022015). Collection method: clinical testing. Allele origin: germline.
Comment: In summary, the available evidence is currently insufficient to determine the role of this variant in disease. Therefore, it has been classified as a Variant of Uncertain Significance. Algorithms developed to predict the effect of missense changes on protein structure and function are either unavailable or do not agree on the potential impact of this missense change (SIFT: "Deleterious"; PolyPhen-2: "Possibly Damaging"; Align-GVGD: "Class C0"). ClinVar contains an entry for this variant (Variation ID: 1437386). This variant has not been reported in the literature in individuals affected with POLR3A-related conditions. This variant is present in population databases (rs761059260, gnomAD 0.01%). This sequence change replaces arginine, which is basic and polar, with glutamine, which is neutral and polar, at codon 151 of the POLR3A protein (p.Arg151Gln).